The following is an entry in ClinVar:

NM_006785.4(MALT1):c.1019-6dup

Gene: MALT1 (MALT1 paracaspase; plus strand). Cytogenetic location: 18q21.32.
Variant type: Duplication.
Coding change: c.1019-6dup on transcript NM_006785.4 (MANE Select); 6 bases into the intron before coding-DNA position 1019, one base duplicated (T; older notation c.1019-6dupT).
Molecular consequence: intron variant.
Genome position (GRCh38, 1-based): chr18:58,723,042, T duplicated; the last of 9 consecutive T bases (chr18:58,723,034-58,723,042); duplicating any one gives the same sequence. VCF-style (leftmost placement, unchanged base first): chr18-58723033-C-CT. GRCh37 (hg19) VCF-style: chr18-56390265-C-CT.
Other names: c.986-6dup (NM_173844.3); c.1019-6dupT (NM_006785.3).
Identifiers: ClinVar variation 2198673 (VCV002198673.7), dbSNP rs760010868, ClinGen allele CA8977817.

ClinVar aggregate classification (germline): Benign/Likely benign. Review status: criteria provided, multiple submitters, no conflicts (2 of 4 stars). 3 submissions from 3 submitters: Benign (1); Likely benign (1). 1 of the submissions does not count toward it. Last evaluated 2025-09-22.

Conditions:
MALT1-related disorder. Also called: MALT1-related condition.
Combined immunodeficiency due to MALT1 deficiency. Also called: Immunodeficiency 12. Identifiers: Orphanet 397964, MedGen C3809583, MONDO:0014197, OMIM 615468.

Submissions (3):

Labcorp Genetics (formerly Invitae), Labcorp
Classification: Benign for Combined immunodeficiency due to MALT1 deficiency. Last evaluated: 2025-09-22. Review status: criteria provided, single submitter. Criteria: Invitae Variant Classification Sherloc (09022015). Collection method: clinical testing. Allele origin: germline.

Blueprint Genetics
Classification: Likely benign. Last evaluated: 2024-11-22. Review status: criteria provided, single submitter. Criteria: ACMG Guidelines, 2015. Collection method: clinical testing. Allele origin: germline.

PreventionGenetics, part of Exact Sciences
Classification: Likely benign for MALT1-related condition. Last evaluated: 2019-09-17. Review status: no assertion criteria provided. Collection method: clinical testing. Allele origin: germline. Not counted in ClinVar's aggregate classification.
Comment: This variant is classified as likely benign based on ACMG/AMP sequence variant interpretation guidelines (Richards et al. 2015 PMID: 25741868, with internal and published modifications).